The following is an entry in ClinVar:

NM_004415.4(DSP):c.3194A>T (p.Tyr1065Phe)

Gene: DSP (desmoplakin; plus strand). Cytogenetic location: 6p24.3.
Variant type: single nucleotide variant.
Coding change: c.3194A>T on transcript NM_004415.4 (MANE Select); coding-DNA position 3194, A replaced by T.
Protein change: p.Tyr1065Phe; replaces tyrosine 1065 with phenylalanine.
Molecular consequence: missense variant.
Genome position (GRCh38, 1-based): chr6:7,579,384, A>T. VCF-style: chr6-7579384-A-T. GRCh37 (hg19) VCF-style: chr6-7579617-A-T.
Other names: c.3194A>T, p.Tyr1065Phe (NM_001008844.3, NM_001319034.2); short protein forms Y1065F.
Identifiers: ClinVar variation 927425 (VCV000927425.4), dbSNP rs1759343554, ClinGen allele CA362683268.

ClinVar aggregate classification (germline): Uncertain significance (1 of 4 stars; one submission).

Conditions:
Cardiomyopathy (CMYO). Also called: Cardiomyopathies. Identifiers: Orphanet 167848, MedGen C0878544, MONDO:0004994, HP:0001638. Inheritance: Various modes of inheritance.

Submission:

Color Diagnostics, LLC DBA Color Health
Classification: Uncertain significance for Cardiomyopathy. Last evaluated: 2023-12-05. Review status: criteria provided, single submitter. Criteria: ACMG Guidelines, 2015. Collection method: clinical testing. Allele origin: germline.
Comment: This missense variant replaces tyrosine with phenylalanine at codon 1065 of the DSP protein. Computational prediction suggests that this variant may not impact protein structure and function (internally defined REVEL score threshold <= 0.5, PMID: 27666373). To our knowledge, functional studies have not been reported for this variant. This variant has not been reported in individuals affected with DSP-related disorders in the literature. This variant has not been identified in the general population by the Genome Aggregation Database (gnomAD). The available evidence is insufficient to determine the role of this variant in disease conclusively. Therefore, this variant is classified as a Variant of Uncertain Significance.